The following is an entry in ClinVar:

NM_024426.6(WT1):c.1265-2A>G

Gene: WT1 (WT1 transcription factor; minus strand). Cytogenetic location: 11p13.
Variant type: single nucleotide variant.
Coding change: c.1265-2A>G on transcript NM_024426.6 (MANE Select); the canonical splice acceptor site of the intron before coding-DNA position 1265, A replaced by G.
Molecular consequence: splice acceptor variant. On other transcripts: intron variant (1).
Genome position (GRCh38, 1-based): chr11:32,392,757, T>C on the plus strand (A>G on the coding strand, the complement: WT1 is on the minus strand). VCF-style: chr11-32392757-T-C. GRCh37 (hg19) VCF-style: chr11-32414303-T-C.
Other names: c.1091-2A>G (NM_001407050.1); c.1142-2A>G (NM_001407047.1); c.1214-693A>G (NM_001407048.1); c.1214-2A>G (NM_001407049.1, NM_000378.6, NM_001407045.1); c.1259-2A>G (NM_001407044.1); c.1265-2A>G (NM_001407046.1, NM_024424.5); c.995-2A>G (NM_001429034.1, NM_001429033.1); c.1046-2A>G (NM_001429032.1, NM_001429031.1); and 4 more.
Identifiers: ClinVar variation 5038386 (VCV005038386.1).
Genomic context (GRCh38, chr11:32,392,757, plus strand): 5'-GTCTGAACGAGAAAACCTTCGTTCACAGTCCTTGAAGTCACACTGGTATGGTTTCTCACC[T>C]TGGGGAAGACACATATTCTATTTGAAAATGATACTGGAAAAGGGGATCTCATTAAAGGCA-3'

ClinVar aggregate classification (germline): Pathogenic (1 of 4 stars; one submission).

Conditions:
Wilms tumor 1 (WT1). Also called: Wilms tumor, somatic. Identifiers: Orphanet 654, MedGen CN033288, MONDO:0008679, OMIM 194070.

Submission:

St. Jude Molecular Pathology, St. Jude Children's Research Hospital
Classification: Pathogenic for Wilms tumor 1. Last evaluated: 2026-10-01. Review status: criteria provided, single submitter. Criteria: St. Jude Assertion Criteria 2020. Collection method: clinical testing. Allele origin: germline.
Comment: The WT1 c.1214-2A>G intronic change results in an A to G substitution at the -2 position of intron 6 of the WT1 gene. This variant is predicted to result in aberrant splicing, resulting in nonsense-mediated decay or an abnormal protein product. This va riant is absent in gnomAD v2.1.1. In summary, this variant meets criteria to be classified as pathogenic.